The following is an entry in ClinVar:

ClinVar aggregate classification (germline): Uncertain significance. Review status: criteria provided, multiple submitters, no conflicts (2 of 4 stars). 2 submissions from 2 submitters: Uncertain significance (2). Last evaluated 2024-05-18.

Submissions (2):

Labcorp Genetics (formerly Invitae), Labcorp
Classification: Uncertain significance. Last evaluated: 2024-05-18. Review status: criteria provided, single submitter. Criteria: Invitae Variant Classification Sherloc (09022015). Collection method: clinical testing. Allele origin: germline.
Comment: This sequence change replaces tryptophan, which is neutral and slightly polar, with glycine, which is neutral and non-polar, at codon 4951 of the USH2A protein (p.Trp4951Gly). This variant is not present in population databases (gnomAD no frequency). This variant has not been reported in the literature in individuals affected with USH2A-related conditions. Advanced modeling of protein sequence and biophysical properties (such as structural, functional, and spatial information, amino acid conservation, physicochemical variation, residue mobility, and thermodynamic stability) performed at Invitae indicates that this missense variant is expected to disrupt USH2A protein function with a positive predictive value of 95%. In summary, the available evidence is currently insufficient to determine the role of this variant in disease. Therefore, it has been classified as a Variant of Uncertain Significance.

Blueprint Genetics
Classification: Uncertain significance. Last evaluated: 2022-10-04. Review status: criteria provided, single submitter. Criteria: ACMG Guidelines, 2015. Collection method: clinical testing. Allele origin: germline.

NM_206933.4(USH2A):c.14851T>G (p.Trp4951Gly)

Gene: USH2A (usherin; minus strand). Cytogenetic location: 1q41.
Variant type: single nucleotide variant.
Coding change: c.14851T>G on transcript NM_206933.4 (MANE Select); coding-DNA position 14851, T replaced by G.
Protein change: p.Trp4951Gly; replaces tryptophan 4951 with glycine.
Molecular consequence: missense variant.
Genome position (GRCh38, 1-based): chr1:215,640,675, A>C on the plus strand (T>G on the coding strand, the complement: USH2A is on the minus strand). VCF-style: chr1-215640675-A-C. GRCh37 (hg19) VCF-style: chr1-215814017-A-C.
Other names: short protein forms W4951G.
Identifiers: ClinVar variation 3633746 (VCV003633746.3).
Genomic context (GRCh38, chr1:215,640,675, plus strand): 5'-GCCCTCCGTCGGTTAACACGTACTCCTTCAGTTGGCCGTTCAGGAGGAAGGTGTCACTCC[A>C]GTTCACACACACCACAGACAAATTGCTGTCCACCGAAAATGGGGCTCGGTACTGAGGCAC-3'
Protein context (NP_996816.3, residues 4941-4961): DSNLSVVCVN[Trp4951Gly]SDTFLLNGQL